The following is an entry in ClinVar:

NM_014319.5(LEMD3):c.1384G>T (p.Val462Leu)

Gene: LEMD3 (LEM domain containing 3; plus strand). Cytogenetic location: 12q14.3.
Variant type: single nucleotide variant.
Coding change: c.1384G>T on transcript NM_014319.5 (MANE Select); coding-DNA position 1384, G replaced by T.
Protein change: p.Val462Leu; replaces valine 462 with leucine.
Molecular consequence: missense variant.
Genome position (GRCh38, 1-based): chr12:65,170,980, G>T. VCF-style: chr12-65170980-G-T. GRCh37 (hg19) VCF-style: chr12-65564760-G-T.
Other names: c.1384G>T, p.Val462Leu (NM_001167614.2); short protein forms V462L.
Identifiers: ClinVar variation 4744903 (VCV004744903.1).
Genomic context (GRCh38, chr12:65,170,980, plus strand): 5'-AACAAACCGAAGCTTTCCGAACCCGAAGAGGAACTTCTCCAGCAATTTAAACGGGAGGAG[G>T]TGTCCCCAACAGGGAGTTTCAGTGCCCACTACTTGTCGATGTTTCTCTTAACTGCTGCCT-3'
Protein context (NP_055134.2, residues 452-472): ELLQQFKREE[Val462Leu]SPTGSFSAHY

ClinVar aggregate classification (germline): Uncertain significance (1 of 4 stars; one submission).

Submission:

Labcorp Genetics (formerly Invitae), Labcorp
Classification: Uncertain significance. Last evaluated: 2025-03-06. Review status: criteria provided, single submitter. Criteria: Invitae Variant Classification Sherloc (09022015). Collection method: clinical testing. Allele origin: germline.
Comment: This sequence change replaces valine, which is neutral and non-polar, with leucine, which is neutral and non-polar, at codon 462 of the LEMD3 protein (p.Val462Leu). This variant is not present in population databases (gnomAD no frequency). This variant has not been reported in the literature in individuals affected with LEMD3-related conditions. Invitae Evidence Modeling of protein sequence and biophysical properties (such as structural, functional, and spatial information, amino acid conservation, physicochemical variation, residue mobility, and thermodynamic stability) indicates that this missense variant is not expected to disrupt LEMD3 protein function with a negative predictive value of 80%. In summary, the available evidence is currently insufficient to determine the role of this variant in disease. Therefore, it has been classified as a Variant of Uncertain Significance.